The following is an entry in ClinVar:

NM_000383.4(AIRE):c.1412G>A (p.Arg471His)

Gene: AIRE (autoimmune regulator; plus strand). Cytogenetic location: 21q22.3.
Variant type: single nucleotide variant.
Coding change: c.1412G>A on transcript NM_000383.4 (MANE Select); coding-DNA position 1412, G replaced by A.
Protein change: p.Arg471His; replaces arginine 471 with histidine.
Molecular consequence: missense variant.
Genome position (GRCh38, 1-based): chr21:44,294,412, G>A. VCF-style: chr21-44294412-G-A. GRCh37 (hg19) VCF-style: chr21-45714295-G-A.
Other names: short protein forms R471H.
Identifiers: ClinVar variation 2196827 (VCV002196827.2), dbSNP rs373237600, ClinGen allele CA10052124.
Genomic context (GRCh38, chr21:44,294,412, plus strand): 5'-GCACTCCTGCTCCCCCCCAGGGCTGGCAGCCCCTCATCCTCTGCTGCAGGACGGGCCTGC[G>A]CTGCAGATCCTGCTCAGGAGACGTGACCCCAGCCCCTGTGGAGGGGGTGCTGGCCCCCAG-3'
Protein context (NP_000374.1, residues 461-481): AGTSRPGTGL[Arg471His]CRSCSGDVTP

ClinVar aggregate classification (germline): Uncertain significance (1 of 4 stars; one submission).

Conditions:
Polyglandular autoimmune syndrome, type 1 (APS1). Also called: PGA I; Autoimmune polyendocrinopathy syndrome , type I, with or without reversible metaphyseal dysplasia; HYPOADRENOCORTICISM WITH HYPOPARATHYROIDISM AND SUPERFICIAL MONILIASIS; Autoimmune polyendocrine syndrome type 1; Autoimmune polyendocrinopathy syndrome, type I; AUTOIMMUNE POLYENDOCRINE SYNDROME, TYPE I, WITH OR WITHOUT REVERSIBLE METAPHYSEAL DYSPLASIA. Identifiers: Orphanet 3453, MedGen C0085859, MONDO:0009411, OMIM 240300.

Allele frequency attached by ClinVar (database versions not stated): gnomAD 0.00001; ExAC 0.00003; TOPMed 0.00003.

Submission:

Labcorp Genetics (formerly Invitae), Labcorp
Classification: Uncertain significance for Polyglandular autoimmune syndrome, type 1. Last evaluated: 2024-12-16. Review status: criteria provided, single submitter. Criteria: Invitae Variant Classification Sherloc (09022015). Collection method: clinical testing. Allele origin: germline.
Comment: This sequence change replaces arginine, which is basic and polar, with histidine, which is basic and polar, at codon 471 of the AIRE protein (p.Arg471His). The frequency data for this variant in the population databases is considered unreliable, as metrics indicate poor data quality at this position in the gnomAD database. This variant has not been reported in the literature in individuals affected with AIRE-related conditions. ClinVar contains an entry for this variant (Variation ID: 2196827). An algorithm developed to predict the effect of missense changes on protein structure and function outputs the following: PolyPhen-2: "Benign". The histidine amino acid residue is found in multiple mammalian species, which suggests that this missense change does not adversely affect protein function. In summary, the available evidence is currently insufficient to determine the role of this variant in disease. Therefore, it has been classified as a Variant of Uncertain Significance.